The following is an entry in ClinVar:

ClinVar aggregate classification (germline): Uncertain significance. Review status: criteria provided, multiple submitters, no conflicts (2 of 4 stars). 3 submissions from 3 submitters: Uncertain significance (3). Last evaluated 2021-08-24.

Conditions:
Inborn genetic diseases. Identifiers: MedGen C0950123, MeSH D030342.
Cataract 15 multiple types. Also called: CATARACT 15, LAMELLAR WITH SUTURAL OPACITIES. Identifiers: Orphanet 91492, MedGen C3809001, MONDO:0014110, OMIM 615274.

Allele frequency attached by ClinVar (database versions not stated): ExAC 0.00002; gnomAD exomes 0.00003 and 0.00018; gnomAD 0.00008 and 0.00009; TOPMed 0.00008.
gnomAD v4.1: 271 of 1,614,006 alleles (0.017%); highest among the groups gnomAD compares: Non-Finnish European, 0.023%; no homozygotes.

Submissions (3):

Labcorp Genetics (formerly Invitae), Labcorp
Classification: Uncertain significance for Cataract 15 multiple types. Last evaluated: 2021-08-24. Review status: criteria provided, single submitter. Criteria: Invitae Variant Classification Sherloc (09022015). Collection method: clinical testing. Allele origin: germline.
Comment: This sequence change replaces lysine with threonine at codon 238 of the MIP protein (p.Lys238Thr). The lysine residue is moderately conserved and there is a moderate physicochemical difference between lysine and threonine. This variant is present in population databases (rs755752015, ExAC 0.003%). This variant has not been reported in the literature in individuals affected with MIP-related conditions. Algorithms developed to predict the effect of missense changes on protein structure and function (SIFT, PolyPhen-2, Align-GVGD) all suggest that this variant is likely to be tolerated. In summary, the available evidence is currently insufficient to determine the role of this variant in disease. Therefore, it has been classified as a Variant of Uncertain Significance.

Department of Pathology and Laboratory Medicine, Sinai Health System
Classification: Uncertain significance for Cataract 15 multiple types. Last evaluated: 2021-07-30. Review status: criteria provided, single submitter. Criteria: ACMG Guidelines, 2015. Collection method: research. Allele origin: germline.

Ambry Genetics
Classification: Uncertain significance for Inborn genetic diseases. Last evaluated: 2021-07-06. Review status: criteria provided, single submitter. Criteria: Ambry Variant Classification Scheme 2023. Collection method: clinical testing. Allele origin: germline.

NM_012064.4(MIP):c.713A>C (p.Lys238Thr)

Gene: MIP (major intrinsic protein of lens fiber; minus strand). Cytogenetic location: 12q13.3.
Variant type: single nucleotide variant.
Coding change: c.713A>C on transcript NM_012064.4 (MANE Select); coding-DNA position 713, A replaced by C.
Protein change: p.Lys238Thr; replaces lysine 238 with threonine.
Molecular consequence: missense variant.
Genome position (GRCh38, 1-based): chr12:56,451,359, T>G on the plus strand (A>C on the coding strand, the complement: MIP is on the minus strand). VCF-style: chr12-56451359-T-G. GRCh37 (hg19) VCF-style: chr12-56845143-T-G.
Other names: short protein forms K238T.
Identifiers: ClinVar variation 573816 (VCV000573816.7), dbSNP rs755752015, ClinGen allele CA6632508.
Genomic context (GRCh38, chr12:56,451,359, plus strand): 5'-AGTTCAACAGGTTCCCCTGTGACCTCTGGTTGTCCATTGGAGACATCGGGTTTGGCACCC[T>G]TGAGGACAGACAGTCTCTCAGAAATACTCTTGAGCCGGGGGAAGAGAAGAAAGTCGTACA-3'
Protein context (NP_036196.1, residues 228-248): KSISERLSVL[Lys238Thr]GAKPDVSNGQ